The following is an entry in ClinVar:

ClinVar aggregate classification (germline): Uncertain significance. Review status: criteria provided, multiple submitters, no conflicts (2 of 4 stars). 2 submissions from 2 submitters: Uncertain significance (2). Last evaluated 2023-11-10.

Conditions:
Autosomal recessive limb-girdle muscular dystrophy type 2J (LGMDR10). Also called: Limb-girdle muscular dystrophy, type 2J; MUSCULAR DYSTROPHY, LIMB-GIRDLE, AUTOSOMAL RECESSIVE 10. Identifiers: Orphanet 140922, MedGen C1837342, MONDO:0012127, OMIM 608807.
Dilated cardiomyopathy 1G (CMD1G). Identifiers: Orphanet 154, MedGen C1858763, MONDO:0011400, OMIM 604145.
Cardiovascular phenotype. Identifiers: MedGen CN230736.

Allele frequency attached by ClinVar (database versions not stated): gnomAD exomes 0.00001.
gnomAD v4.1: 4 of 1,614,008 alleles (0.00025%); highest among the groups gnomAD compares: Non-Finnish European, 0.00025%; no homozygotes.

Submissions (2):

Labcorp Genetics (formerly Invitae), Labcorp
Classification: Uncertain significance for Dilated cardiomyopathy 1G; Autosomal recessive limb-girdle muscular dystrophy type 2J. Last evaluated: 2023-11-10. Review status: criteria provided, single submitter. Criteria: Invitae Variant Classification Sherloc (09022015). Collection method: clinical testing. Allele origin: germline.
Comment: This sequence change replaces histidine, which is basic and polar, with tyrosine, which is neutral and polar, at codon 35098 of the TTN protein (p.His35098Tyr). This variant is not present in population databases (gnomAD no frequency). This variant has not been reported in the literature in individuals affected with TTN-related conditions. ClinVar contains an entry for this variant (Variation ID: 1760711). Experimental studies and prediction algorithms are not available or were not evaluated, and the functional significance of this variant is currently unknown. This variant is located in the M band of TTN (PMID: 25589632). Variants in this region may be relevant for neuromuscular disorders, but have not been definitively shown to cause cardiomyopathy (PMID: 23975875). In summary, the available evidence is currently insufficient to determine the role of this variant in disease. Therefore, it has been classified as a Variant of Uncertain Significance.

Ambry Genetics
Classification: Uncertain significance for Cardiovascular phenotype. Last evaluated: 2019-10-17. Review status: criteria provided, single submitter. Criteria: Ambry Variant Classification Scheme 2023. Collection method: clinical testing. Allele origin: germline.
Comment: The p.H26033Y variant (also known as c.78097C>T), located in coding exon 185 of the TTN gene, results from a C to T substitution at nucleotide position 78097. The histidine at codon 26033 is replaced by tyrosine, an amino acid with similar properties. This amino acid position is not well conserved in available vertebrate species. In addition, this alteration is predicted to be tolerated by in silico analysis. Since supporting evidence is limited at this time, the clinical significance of this alteration remains unclear.

Literature cited by the submitters: PubMed 25589632 (cited by Labcorp Genetics (formerly Invitae), Labcorp); PubMed 23975875 (cited by Labcorp Genetics (formerly Invitae), Labcorp).

NM_001267550.2(TTN):c.105292C>T (p.His35098Tyr)

Genes: TTN-AS1 (TTN antisense RNA 1; plus strand), TTN (titin; minus strand). Cytogenetic location: 2q31.2.
Variant type: single nucleotide variant.
Coding change: c.105292C>T on transcript NM_001267550.2 (MANE Select); coding-DNA position 105292, C replaced by T.
Protein change: p.His35098Tyr; replaces histidine 35098 with tyrosine.
Molecular consequence: missense variant.
Genome position (GRCh38, 1-based): chr2:178,531,323, G>A on the plus strand (C>T on the coding strand, the complement: TTN is on the minus strand). VCF-style: chr2-178531323-G-A. GRCh37 (hg19) VCF-style: chr2-179396050-G-A.
Other names: c.100369C>T, p.His33457Tyr (NM_001256850.1); c.78097C>T, p.His26033Tyr (NM_003319.4); c.97588C>T, p.His32530Tyr (NM_133378.4); c.78472C>T, p.His26158Tyr (NM_133432.3); c.78673C>T, p.His26225Tyr (NM_133437.4); short protein forms H32530Y, H35098Y, H33457Y, H26158Y, H26033Y, H26225Y.
Identifiers: ClinVar variation 1760711 (VCV001760711.5), dbSNP rs2468405492, ClinGen allele CA349409078.
Genomic context (GRCh38, chr2:178,531,323, plus strand): 5'-ATTTTTCTTCCAGTGACTTTTCTTCTAATGCAGCACTTTTCATTTCTGCAGATGCAGAGT[G>A]TTCATATGAGGAGAGACTTTCCCTTGTCTCCGTCATCTGTGATTTCACTTCCCTGACAGA-3'
Protein context (NP_001254479.2, residues 35088-35108): ETRESLSSYE[His35098Tyr]SASAEMKSAA